The following is an entry in ClinVar:

NM_000453.3(SLC5A5):c.1122G>C (p.Arg374=)

Gene: SLC5A5 (solute carrier family 5 member 5; plus strand). Cytogenetic location: 19p13.11.
Variant type: single nucleotide variant.
Coding change: c.1122G>C on transcript NM_000453.3 (MANE Select); coding-DNA position 1122, G replaced by C.
Protein change: p.Arg374=; no amino-acid change (arginine 374 retained).
Molecular consequence: synonymous variant.
Genome position (GRCh38, 1-based): chr19:17,882,023, G>C. VCF-style: chr19-17882023-G-C. GRCh37 (hg19) VCF-style: chr19-17992832-G-C.
Identifiers: ClinVar variation 2789389 (VCV002789389.22), dbSNP rs1400428048, ClinGen allele CA506000130.

ClinVar aggregate classification (germline): Likely benign. Review status: criteria provided, multiple submitters, no conflicts (2 of 4 stars). 2 submissions from 2 submitters: Likely benign (2). Last evaluated 2024-05-01.

Allele frequency attached by ClinVar (database versions not stated): TOPMed below 0.00001; gnomAD 0.00001.
gnomAD v4.1: 27 of 1,614,086 alleles (0.0017%); highest among the groups gnomAD compares: Non-Finnish European, 0.0022%; no homozygotes.

Submissions (2):

CeGaT Center for Human Genetics Tuebingen
Classification: Likely benign. Last evaluated: 2024-05-01. Review status: criteria provided, single submitter. Criteria: CeGaT Center For Human Genetics Tuebingen Variant Classification Criteria Version 2. Collection method: clinical testing. Allele origin: germline. Affected: yes. Observed: 1 variant allele.
Comment: SLC5A5: BP4, BP7

Labcorp Genetics (formerly Invitae), Labcorp
Classification: Likely benign. Last evaluated: 2023-11-06. Review status: criteria provided, single submitter. Criteria: Invitae Variant Classification Sherloc (09022015). Collection method: clinical testing. Allele origin: germline.